The following is an entry in ClinVar:

NM_002529.4(NTRK1):c.1060G>A (p.Val354Ile)

Gene: NTRK1 (neurotrophic receptor tyrosine kinase 1; plus strand). Cytogenetic location: 1q23.1.
Variant type: single nucleotide variant.
Coding change: c.1060G>A on transcript NM_002529.4 (MANE Select); coding-DNA position 1060, G replaced by A.
Protein change: p.Val354Ile; replaces valine 354 with isoleucine.
Molecular consequence: missense variant.
Genome position (GRCh38, 1-based): chr1:156,873,842, G>A. VCF-style: chr1-156873842-G-A. GRCh37 (hg19) VCF-style: chr1-156843634-G-A.
Other names: c.970G>A, p.Val324Ile (NM_001007792.1); c.1060G>A, p.Val354Ile (NM_001012331.2); short protein forms V324I, V354I.
Identifiers: ClinVar variation 946239 (VCV000946239.6), dbSNP rs201035170, ClinGen allele CA1169177.

ClinVar aggregate classification (germline): Uncertain significance. Review status: criteria provided, single submitter (1 of 4 stars). 2 submissions from 2 submitters: Uncertain significance (1). 1 of the submissions does not count toward it. Last evaluated 2022-08-16.

Conditions:
Hereditary insensitivity to pain with anhidrosis (CIPA). Also called: NEUROPATHY, CONGENITAL SENSORY, WITH ANHIDROSIS; INSENSITIVITY TO PAIN, CONGENITAL, WITH ANHIDROSIS; HSAN Type IV; NTRK1 Congenital Insensitivity to Pain with Anhidrosis; hereditary sensory and autonomic neuropathy type 4; FAMILIAL DYSAUTONOMIA, TYPE II. Identifiers: Orphanet 642, MedGen C0020074, MONDO:0009746, OMIM 256800.

Allele frequency attached by ClinVar (database versions not stated): TOPMed below 0.00001; gnomAD 0.00001 and 0.00002; gnomAD exomes 0.00002; ExAC 0.00004; 1000 Genomes Project 30x 0.00031; 1000 Genomes Project 0.00040.

Submissions (2):

Labcorp Genetics (formerly Invitae), Labcorp
Classification: Uncertain significance for Hereditary insensitivity to pain with anhidrosis. Last evaluated: 2022-08-16. Review status: criteria provided, single submitter. Criteria: Invitae Variant Classification Sherloc (09022015). Collection method: clinical testing. Allele origin: germline.
Comment: This sequence change replaces valine, which is neutral and non-polar, with isoleucine, which is neutral and non-polar, at codon 354 of the NTRK1 protein (p.Val354Ile). The frequency data for this variant in the population databases is considered unreliable, as metrics indicate poor data quality at this position in the gnomAD database. This variant has not been reported in the literature in individuals affected with NTRK1-related conditions. ClinVar contains an entry for this variant (Variation ID: 946239). Advanced modeling of protein sequence and biophysical properties (such as structural, functional, and spatial information, amino acid conservation, physicochemical variation, residue mobility, and thermodynamic stability) performed at Invitae indicates that this missense variant is not expected to disrupt NTRK1 protein function. In summary, the available evidence is currently insufficient to determine the role of this variant in disease. Therefore, it has been classified as a Variant of Uncertain Significance.

Natera, Inc.
Classification: Uncertain significance for Hereditary insensitivity to pain with anhidrosis. Last evaluated: 2021-07-01. Review status: no assertion criteria provided. Collection method: clinical testing. Allele origin: germline. Not counted in ClinVar's aggregate classification.